The following is an entry in ClinVar:

ClinVar aggregate classification (germline): Uncertain significance. Review status: criteria provided, multiple submitters, no conflicts (2 of 4 stars). 2 submissions from 2 submitters: Uncertain significance (2). Last evaluated 2025-11-28.

Conditions:
Glucocorticoid-remediable aldosteronism. Also called: ACTH-DEPENDENT HYPERALDOSTERONISM SYNDROME; ALDOSTERONISM, SENSITIVE TO DEXAMETHASONE; FH I; GLUCOCORTICOID-SUPPRESSIBLE HYPERALDOSTERONISM; Hyperaldosteronism, familial, type I. Identifiers: Orphanet 403, MedGen C3838731, MONDO:0007080, OMIM 103900.
Deficiency of steroid 11-beta-monooxygenase (CYP11B1). Also called: ADRENAL HYPERPLASIA, CONGENITAL, DUE TO STEROID 11-BETA-HYDROXYLASE DEFICIENCY; 11-BETA-HYDROXYLASE DEFICIENCY; P450C11B1 DEFICIENCY; STEROID 11-BETA-HYDROXYLASE DEFICIENCY; Congenital adrenal hyperplasia due to 11-beta-hydroxylase deficiency; ADRENAL HYPERPLASIA IV. Identifiers: Orphanet 90795, MedGen C0268292, MONDO:0008729, OMIM 202010. Disease mechanism: loss of function.

gnomAD v4.1: 2 of 1,614,152 alleles (0.00012%); highest among the groups gnomAD compares: Admixed American, 0.0017%; no homozygotes.

Submissions (2):

Labcorp Genetics (formerly Invitae), Labcorp
Classification: Uncertain significance. Last evaluated: 2025-11-28. Review status: criteria provided, single submitter. Criteria: Invitae Variant Classification Sherloc (09022015). Collection method: clinical testing. Allele origin: germline.
Comment: This sequence change replaces arginine, which is basic and polar, with serine, which is neutral and polar, at codon 427 of the CYP11B1 protein (p.Arg427Ser). This variant is not present in population databases (gnomAD no frequency). This variant has not been reported in the literature in individuals affected with CYP11B1-related conditions. ClinVar contains an entry for this variant (Variation ID: 3595294). Invitae Evidence Modeling of protein sequence and biophysical properties (such as structural, functional, and spatial information, amino acid conservation, physicochemical variation, residue mobility, and thermodynamic stability) indicates that this missense variant is expected to disrupt CYP11B1 protein function with a positive predictive value of 95%. In summary, the available evidence is currently insufficient to determine the role of this variant in disease. Therefore, it has been classified as a Variant of Uncertain Significance.

Fulgent Genetics
Classification: Uncertain significance for Glucocorticoid-remediable aldosteronism; Deficiency of steroid 11-beta-monooxygenase. Last evaluated: 2024-04-05. Review status: criteria provided, single submitter. Criteria: ACMG Guidelines, 2015. Collection method: clinical testing. Allele origin: germline.

NM_000497.4(CYP11B1):c.1279C>A (p.Arg427Ser)

Genes: CYP11B1 (cytochrome P450 family 11 subfamily B member 1; minus strand), LOC106799833 (CYP11B1 recombination region; plus strand). Cytogenetic location: 8q24.3.
Variant type: single nucleotide variant.
Coding change: c.1279C>A on transcript NM_000497.4 (MANE Select); coding-DNA position 1279, C replaced by A.
Protein change: p.Arg427Ser; replaces arginine 427 with serine.
Molecular consequence: missense variant. On other transcripts: intron variant (1).
Genome position (GRCh38, 1-based): chr8:142,875,076, G>T on the plus strand (C>A on the coding strand, the complement: CYP11B1 is on the minus strand). VCF-style: chr8-142875076-G-T. GRCh37 (hg19) VCF-style: chr8-143956492-G-T.
Other names: c.1200+158C>A (NM_001026213.1); short protein forms R427S.
Identifiers: ClinVar variation 3595294 (VCV003595294.2).
Genomic context (GRCh38, chr8:142,875,076, plus strand): 5'-TGCCAAAGCCAAAGGGCACGTGGTAGAAGTTCCTGCCGGAGCCCCTGATGTCTAGCCAGC[G>T]CTGGGGGTTATAGCGCTCAGGCCTCGGGAACAAGGCGGGGTTGCGACCCAGAGAGTAGAG-3'
Protein context (NP_000488.3, residues 417-437): FPRPERYNPQ[Arg427Ser]WLDIRGSGRN